The following is an entry in ClinVar:

NM_005876.5(SPEG):c.322T>C (p.Cys108Arg)

Gene: SPEG (striated muscle enriched protein kinase; plus strand). Cytogenetic location: 2q35.
Variant type: single nucleotide variant.
Coding change: c.322T>C on transcript NM_005876.5 (MANE Select); coding-DNA position 322, T replaced by C.
Protein change: p.Cys108Arg; replaces cysteine 108 with arginine.
Molecular consequence: missense variant.
Genome position (GRCh38, 1-based): chr2:219,435,299, T>C. VCF-style: chr2-219435299-T-C. GRCh37 (hg19) VCF-style: chr2-220300021-T-C.
Other names: short protein forms C108R.
Identifiers: ClinVar variation 1480424 (VCV001480424.4), dbSNP rs764029757, ClinGen allele CA2125360.

ClinVar aggregate classification (germline): Uncertain significance (1 of 4 stars; one submission).

Allele frequency attached by ClinVar (database versions not stated): TOPMed 0.00003; gnomAD 0.00006; gnomAD exomes 0.00003.
gnomAD v4.1: 55 of 1,525,994 alleles (0.0036%); highest among the groups gnomAD compares: Non-Finnish European, 0.0047%; no homozygotes.

Submission:

Labcorp Genetics (formerly Invitae), Labcorp
Classification: Uncertain significance. Last evaluated: 2023-11-13. Review status: criteria provided, single submitter. Criteria: Invitae Variant Classification Sherloc (09022015). Collection method: clinical testing. Allele origin: germline.
Comment: This sequence change replaces cysteine, which is neutral and slightly polar, with arginine, which is basic and polar, at codon 108 of the SPEG protein (p.Cys108Arg). The frequency data for this variant in the population databases is considered unreliable, as metrics indicate poor data quality at this position in the gnomAD database. This variant has not been reported in the literature in individuals affected with SPEG-related conditions. ClinVar contains an entry for this variant (Variation ID: 1480424). An algorithm developed to predict the effect of missense changes on protein structure and function (PolyPhen-2) suggests that this variant is likely to be disruptive. In summary, the available evidence is currently insufficient to determine the role of this variant in disease. Therefore, it has been classified as a Variant of Uncertain Significance.